The following is an entry in ClinVar:

ClinVar aggregate classification (germline): Uncertain significance (1 of 4 stars; one submission).

Conditions:
Long QT syndrome (LQTS). Identifiers: MedGen C0023976, MeSH D008133, MONDO:0002442. Disease mechanism: loss of function. Inheritance: Various modes of inheritance.

Submission:

All of Us Research Program, National Institutes of Health
Classification: Uncertain significance for Long QT syndrome. Last evaluated: 2023-04-10. Review status: criteria provided, single submitter. Criteria: ACMG Guidelines, 2015. Collection method: clinical testing. Allele origin: germline. Inheritance: Autosomal dominant inheritance. Observed: 1 variant allele, 1 heterozygote.
Comment: This missense variant replaces valine with alanine at codon 133 of the KCNQ1 protein. Computational prediction suggests that this variant may have deleterious impact on protein structure and function (internally defined REVEL score threshold >= 0.7, PMID: 27666373). To our knowledge, functional studies have not been reported for this variant. This variant has not been reported in individuals affected with KCNQ1-related disorders in the literature. This variant has not been identified in the general population by the Genome Aggregation Database (gnomAD). The available evidence is insufficient to determine the role of this variant in disease conclusively. Therefore, this variant is classified as a Variant of Uncertain Significance.

This study involves interpretation of variants in research participants for the purpose of population health screening. Participant phenotype was not available at the time of variant classification. Additional details can be found in publication PMID: 35346344, PMCID: PMC8962531

NM_000218.3(KCNQ1):c.398T>C (p.Val133Ala)

Gene: KCNQ1 (potassium voltage-gated channel subfamily Q member 1; plus strand). Cytogenetic location: 11p15.5.
Variant type: single nucleotide variant.
Coding change: c.398T>C on transcript NM_000218.3 (MANE Select); coding-DNA position 398, T replaced by C.
Protein change: p.Val133Ala; replaces valine 133 with alanine.
Molecular consequence: missense variant.
Genome position (GRCh38, 1-based): chr11:2,527,939, T>C. VCF-style: chr11-2527939-T-C. GRCh37 (hg19) VCF-style: chr11-2549169-T-C.
Other names: c.398T>C, p.Val133Ala (NM_001406836.1, NM_001406838.1); c.128T>C, p.Val43Ala (NM_001406837.1); c.17T>C, p.Val6Ala (NM_181798.2); short protein forms V133A, V43A, V6A.
Identifiers: ClinVar variation 3070401 (VCV003070401.1), dbSNP rs2493591396, ClinGen allele CA379121206.